The following is an entry in ClinVar:

ClinVar aggregate classification (germline): Uncertain significance (1 of 4 stars; one submission).

Conditions:
Neuronal ceroid lipofuscinosis. Also called: Neuronal Ceroid Lipofuscinoses. Identifiers: Orphanet 216, Orphanet 79263, MedGen C0027877, MONDO:0016295. Disease mechanism: loss of function.

Allele frequency attached by ClinVar (database versions not stated): gnomAD exomes below 0.00001 and 0.00001; ExAC 0.00001.
gnomAD v4.1: 6 of 1,614,068 alleles (0.00037%); highest among the groups gnomAD compares: Admixed American, 0.01%; no homozygotes.

Submission:

Labcorp Genetics (formerly Invitae), Labcorp
Classification: Uncertain significance for Neuronal ceroid lipofuscinosis. Last evaluated: 2024-10-24. Review status: criteria provided, single submitter. Criteria: Invitae Variant Classification Sherloc (09022015). Collection method: clinical testing. Allele origin: germline.
Comment: This sequence change replaces isoleucine, which is neutral and non-polar, with valine, which is neutral and non-polar, at codon 191 of the CTSD protein (p.Ile191Val). This variant is present in population databases (rs750166391, gnomAD 0.003%). This variant has not been reported in the literature in individuals affected with CTSD-related conditions. ClinVar contains an entry for this variant (Variation ID: 1424032). Invitae Evidence Modeling of protein sequence and biophysical properties (such as structural, functional, and spatial information, amino acid conservation, physicochemical variation, residue mobility, and thermodynamic stability) indicates that this missense variant is not expected to disrupt CTSD protein function with a negative predictive value of 80%. In summary, the available evidence is currently insufficient to determine the role of this variant in disease. Therefore, it has been classified as a Variant of Uncertain Significance.

NM_001909.5(CTSD):c.571A>G (p.Ile191Val)

Gene: CTSD (cathepsin D; minus strand). Cytogenetic location: 11p15.5.
Variant type: single nucleotide variant.
Coding change: c.571A>G on transcript NM_001909.5 (MANE Select); coding-DNA position 571, A replaced by G.
Protein change: p.Ile191Val; replaces isoleucine 191 with valine.
Molecular consequence: missense variant.
Genome position (GRCh38, 1-based): chr11:1,757,457, T>C on the plus strand (A>G on the coding strand, the complement: CTSD is on the minus strand). VCF-style: chr11-1757457-T-C. GRCh37 (hg19) VCF-style: chr11-1778687-T-C.
Other names: short protein forms I191V.
Identifiers: ClinVar variation 1424032 (VCV001424032.4), dbSNP rs750166391, ClinGen allele CA5814137.